The following is an entry in ClinVar:

NM_006389.5(HYOU1):c.1202G>A (p.Gly401Asp)

Genes: HYOU1 (hypoxia up-regulated 1; minus strand), LOC130006884 (ATAC-STARR-seq lymphoblastoid active region 5617; plus strand). Cytogenetic location: 11q23.3.
Variant type: single nucleotide variant.
Coding change: c.1202G>A on transcript NM_006389.5 (MANE Select); coding-DNA position 1202, G replaced by A.
Protein change: p.Gly401Asp; replaces glycine 401 with aspartic acid.
Molecular consequence: missense variant.
Genome position (GRCh38, 1-based): chr11:119,052,093, C>T on the plus strand (G>A on the coding strand, the complement: HYOU1 is on the minus strand). VCF-style: chr11-119052093-C-T. GRCh37 (hg19) VCF-style: chr11-118922805-C-T.
Other names: c.1202G>A, p.Gly401Asp (NM_001130991.3, NM_001411041.1); short protein forms G401D.
Identifiers: ClinVar variation 3726812 (VCV003726812.2).

ClinVar aggregate classification (germline): Uncertain significance (1 of 4 stars; one submission).

Submission:

Labcorp Genetics (formerly Invitae), Labcorp
Classification: Uncertain significance. Last evaluated: 2024-12-07. Review status: criteria provided, single submitter. Criteria: Invitae Variant Classification Sherloc (09022015). Collection method: clinical testing. Allele origin: germline.
Comment: This sequence change replaces glycine, which is neutral and non-polar, with aspartic acid, which is acidic and polar, at codon 401 of the HYOU1 protein (p.Gly401Asp). This variant is not present in population databases (gnomAD no frequency). This variant has not been reported in the literature in individuals affected with HYOU1-related conditions. An algorithm developed to predict the effect of missense changes on protein structure and function (PolyPhen-2) suggests that this variant is likely to be disruptive. In summary, the available evidence is currently insufficient to determine the role of this variant in disease. Therefore, it has been classified as a Variant of Uncertain Significance.